The following is an entry in ClinVar:

ClinVar aggregate classification (germline): Conflicting classifications of pathogenicity. Review status: criteria provided, conflicting classifications (1 of 4 stars). 3 submissions from 3 submitters: Uncertain significance (2); Likely benign (1). Last evaluated 2024-01-15.

Conditions:
Syndromic multisystem autoimmune disease due to ITCH deficiency. Also called: AUTOIMMUNE DISEASE, MULTISYSTEM, WITH FACIAL DYSMORPHISM. Identifiers: Orphanet 228426, MedGen C3150649, MONDO:0013245, OMIM 613385.

Allele frequency attached by ClinVar (database versions not stated): gnomAD exomes 0.00004 and 0.00010; gnomAD 0.00005 and 0.00006; TOPMed 0.00005; ExAC 0.00006; ESP Exome Variant Server 0.00008.
gnomAD v4.1: 154 of 1,613,448 alleles (0.0095%); highest among the groups gnomAD compares: Non-Finnish European, 0.012%; no homozygotes.

Submissions (3):

Labcorp Genetics (formerly Invitae), Labcorp
Classification: Uncertain significance for Syndromic multisystem autoimmune disease due to ITCH deficiency. Last evaluated: 2024-01-15. Review status: criteria provided, single submitter. Criteria: Invitae Variant Classification Sherloc (09022015). Collection method: clinical testing. Allele origin: germline.
Comment: This sequence change replaces isoleucine, which is neutral and non-polar, with valine, which is neutral and non-polar, at codon 137 of the ITCH protein (p.Ile137Val). This variant is present in population databases (rs138451400, gnomAD 0.01%). This variant has not been reported in the literature in individuals affected with ITCH-related conditions. ClinVar contains an entry for this variant (Variation ID: 942782). Algorithms developed to predict the effect of missense changes on protein structure and function output the following: SIFT: "Not Available"; PolyPhen-2: "Benign"; Align-GVGD: "Not Available". The valine amino acid residue is found in multiple mammalian species, which suggests that this missense change does not adversely affect protein function. In summary, the available evidence is currently insufficient to determine the role of this variant in disease. Therefore, it has been classified as a Variant of Uncertain Significance.

Blueprint Genetics
Classification: Likely benign. Last evaluated: 2023-05-16. Review status: criteria provided, single submitter. Criteria: ACMG Guidelines, 2015. Collection method: clinical testing. Allele origin: germline.

Center for Genomics, Ann and Robert H. Lurie Children's Hospital of Chicago
Classification: Uncertain significance for Syndromic multisystem autoimmune disease due to ITCH deficiency. Last evaluated: 2022-12-20. Review status: criteria provided, single submitter. Criteria: ACMG Guidelines, 2015. Collection method: clinical testing. Allele origin: germline.
Comment: This variant has not been reported in the literature but is present in the Genome Aggregation Database (Highest reported MAF 0.01% [7/68042]). This variant is present in ClinVar (Variation ID: 942782).This variant amino acid Valine (Val) is present in several species including multiple mammals and is not well conserved among evolutionarily distant species; this suggests that this variant may not impact the protein. Additional computational prediction tools do not suggest an impact.

NM_031483.7(ITCH):c.409A>G (p.Ile137Val)

Gene: ITCH (itchy E3 ubiquitin protein ligase; plus strand). Cytogenetic location: 20q11.22.
Variant type: single nucleotide variant.
Coding change: c.409A>G on transcript NM_031483.7 (MANE Select); coding-DNA position 409, A replaced by G.
Protein change: p.Ile137Val; replaces isoleucine 137 with valine.
Molecular consequence: missense variant.
Genome position (GRCh38, 1-based): chr20:34,413,813, A>G. VCF-style: chr20-34413813-A-G. GRCh37 (hg19) VCF-style: chr20-33001619-A-G.
Other names: c.409A>G, p.Ile137Val (NM_001257137.3, NM_001324197.2, NM_001324198.2); c.79A>G, p.Ile27Val (NM_001257138.3); short protein forms I137V, I27V.
Identifiers: ClinVar variation 942782 (VCV000942782.9), dbSNP rs138451400, ClinGen allele CA9821300.